The following is an entry in ClinVar:

NM_002230.4(JUP):c.1408G>T (p.Glu470Ter)

Gene: JUP (junction plakoglobin; minus strand). Cytogenetic location: 17q21.2.
Variant type: single nucleotide variant.
Coding change: c.1408G>T on transcript NM_002230.4 (MANE Select); coding-DNA position 1408, G replaced by T.
Protein change: p.Glu470Ter; replaces glutamic acid 470 with a stop codon.
Molecular consequence: nonsense.
Genome position (GRCh38, 1-based): chr17:41,763,072, C>A on the plus strand (G>T on the coding strand, the complement: JUP is on the minus strand). VCF-style: chr17-41763072-C-A. GRCh37 (hg19) VCF-style: chr17-39919324-C-A.
Other names: c.1408G>T, p.Glu470Ter (NM_001352773.2, NM_001352774.2, NM_001352775.2 and 3 more transcripts); short protein forms E470*.
Identifiers: ClinVar variation 3075754 (VCV003075754.1), dbSNP rs1555602080, ClinGen allele CA399496574.

ClinVar aggregate classification (germline): Likely pathogenic (1 of 4 stars; one submission).

Conditions:
Naxos disease (NXD). Also called: KERATOSIS PALMOPLANTARIS WITH ARRHYTHMOGENIC CARDIOMYOPATHY; MAL DE NAXOS; PALMOPLANTAR KERATODERMA WITH ARRHYTHMOGENIC RIGHT VENTRICULAR CARDIOMYOPATHY AND WOOLLY HAIR; WOOLLY HAIR, PALMOPLANTAR KERATODERMA, AND CARDIAC ABNORMALITIES; CARDIOMYOPATHY, ARRHYTHMOGENIC RIGHT VENTRICULAR, WITH SKIN, HAIR, AND NAIL ABNORMALITIES. Identifiers: Orphanet 34217, MedGen C1832600, MONDO:0011017, OMIM 601214.

Submission:

Laboratory for Molecular Medicine, Mass General Brigham Personalized Medicine
Classification: Likely pathogenic for Naxos disease. Last evaluated: 2019-03-21. Review status: criteria provided, single submitter. Criteria: ACMG Guidelines, 2015. Collection method: clinical testing. Allele origin: germline. Inheritance: Autosomal recessive inheritance.
Comment: The p.Glu470X variant in JUP has not been previously reported in individuals with Naxos disease or cardiomyopathy and was absent from large population studies. This nonsense variant leads to a premature termination codon at position 470, which is predicted to lead to a truncated or absent protein. Loss of function of the JUP gene is strongly associated to autosomal recessive Naxos disease. In summary, although additional studies are required to fully establish its clinical significance, this variant meets criteria to be classified as likely pathogenic for autosomal recessive Naxos disease. ACMG/AMP Criteria applied: PVS1, PM2.